The following is an entry in ClinVar:

NM_002497.4(NEK2):c.1300T>G (p.Tyr434Asp)

Gene: NEK2 (NIMA related kinase 2; minus strand). Cytogenetic location: 1q32.3.
Variant type: single nucleotide variant.
Coding change: c.1300T>G on transcript NM_002497.4 (MANE Select); coding-DNA position 1300, T replaced by G.
Protein change: p.Tyr434Asp; replaces tyrosine 434 with aspartic acid.
Molecular consequence: missense variant. On other transcripts: intron variant (1).
Genome position (GRCh38, 1-based): chr1:211,663,464, A>C on the plus strand (T>G on the coding strand, the complement: NEK2 is on the minus strand). VCF-style: chr1-211663464-A-C. GRCh37 (hg19) VCF-style: chr1-211836806-A-C.
Other names: c.1111+3642T>G (NM_001204182.2); short protein forms Y434D.
Identifiers: ClinVar variation 2839593 (VCV002839593.3), dbSNP rs753859332, ClinGen allele CA36817978.

ClinVar aggregate classification (germline): Uncertain significance (1 of 4 stars; one submission).

gnomAD v4.1: 5 of 1,613,724 alleles (0.00031%); highest among the groups gnomAD compares: Non-Finnish European, 0.00042%; no homozygotes.

Submission:

Labcorp Genetics (formerly Invitae), Labcorp
Classification: Uncertain significance. Last evaluated: 2023-02-28. Review status: criteria provided, single submitter. Criteria: Invitae Variant Classification Sherloc (09022015). Collection method: clinical testing. Allele origin: germline.
Comment: In summary, the available evidence is currently insufficient to determine the role of this variant in disease. Therefore, it has been classified as a Variant of Uncertain Significance. An algorithm developed to predict the effect of missense changes on protein structure and function (PolyPhen-2) suggests that this variant is likely to be disruptive. This variant has not been reported in the literature in individuals affected with NEK2-related conditions. This variant is not present in population databases (gnomAD no frequency). This sequence change replaces tyrosine, which is neutral and polar, with aspartic acid, which is acidic and polar, at codon 434 of the NEK2 protein (p.Tyr434Asp).